The following is an entry in ClinVar:

ClinVar aggregate classification (germline): Uncertain significance. Review status: criteria provided, multiple submitters, no conflicts (2 of 4 stars). 3 submissions from 3 submitters: Uncertain significance (3). Last evaluated 2024-06-13.

Conditions:
Koolen-de Vries syndrome (KDVS). Identifiers: Orphanet 96169, MedGen C1864871, MONDO:0012496, OMIM 610443.

Submissions (3):

GeneDx
Classification: Uncertain significance. Last evaluated: 2024-06-13. Review status: criteria provided, single submitter. Criteria: GeneDx Variant Classification Process June 2021. Collection method: clinical testing. Allele origin: germline. Affected: yes.
Comment: Frameshift variant predicted to result in protein truncation or nonsense mediated decay in a gene for which loss of function is a known mechanism of disease; Has not been previously published as pathogenic or benign to our knowledge; Note that inversion polymorphisms exist at 17q21.31 which contain partial duplications of the KANSL1 gene and produce novel KANSL1 transcripts (PMID: 22751096). It is unknown if this variant is present in the primary transcript of the KANSL1 gene or an alternate transcript from the duplicated haplotype.; This variant is associated with the following publications: (PMID: 22751096)

Neuberg Centre For Genomic Medicine, NCGM
Classification: Uncertain significance for Koolen-de Vries syndrome. Last evaluated: 2023-05-20. Review status: criteria provided, single submitter. Criteria: ACMG Guidelines, 2015. Collection method: clinical testing. Allele origin: germline. Inheritance: Autosomal dominant inheritance. Affected: yes.
Comment: The frame shift c.779dup(p.Val261CysfsTer6) variant in KANSL1 gene has not been reported previously as a pathogenic variant nor as a benign variant, to our knowledge. The observed variant has allele frequency of 0.001% in gnomAD exomes database. This variant has been reported to the ClinVar database as Uncertain Significance. This variant causes a frameshift starting with codon Valine 261, changes this amino acid to Cysteine residue, and creates a premature Stop codon at position 6 of the new reading frame, denoted p.Val261CysfsTer6. This variant is predicted to cause loss of normal protein function through protein truncation. Loss of function variants have been previously reported to be disease causing. For these reasons, this variant has been classified as Likely Pathogenic.

Revvity Omics, Revvity
Classification: Uncertain significance for Koolen-de Vries syndrome. Last evaluated: 2022-09-19. Review status: criteria provided, single submitter. Criteria: ACMG Guidelines, 2015. Collection method: clinical testing. Allele origin: germline.

NM_015443.4(KANSL1):c.779dup (p.Val261fs)

Gene: KANSL1 (KAT8 regulatory NSL complex subunit 1). Cytogenetic location: 17q21.31.
Variant type: Duplication.
Coding change: c.779dup on transcript NM_015443.4 (MANE Select); coding-DNA position 779, one base duplicated.
Protein change: p.Val261fs; shifts the reading frame from valine 261.
Molecular consequence: frameshift variant.
Genome position: GRCh38 VCF-style: chr17-46171364-A-AC. GRCh37 (hg19) VCF-style: chr17-44248730-A-AC.
Other names: c.779dup, p.Val261fs (NM_001193465.2, NM_001193466.2, NM_001379198.1); c.779dupG (NM_001193466.1); c.779dup (NM_001193466.1); short protein forms V261fs.
Identifiers: ClinVar variation 504455 (VCV000504455.7), dbSNP rs748018297, ClinGen allele CA8618962.